The following is an entry in ClinVar:

NM_012193.4(FZD4):c.*4196A>G

Genes: PRSS23 (serine protease 23; plus strand), FZD4 (frizzled class receptor 4; minus strand). Cytogenetic location: 11q14.2.
Variant type: single nucleotide variant.
Coding change: c.*4196A>G on transcript NM_012193.4 (MANE Select); 4196 bases downstream of the stop codon, A replaced by G.
Molecular consequence: 3 prime UTR variant.
Genome position (GRCh38, 1-based): chr11:86,946,946, T>C on the plus strand (A>G on the coding strand, the complement: FZD4 is on the minus strand). VCF-style: chr11-86946946-T-C. GRCh37 (hg19) VCF-style: chr11-86657988-T-C.
Identifiers: ClinVar variation 306341 (VCV000306341.6), dbSNP rs138561450, ClinGen allele CA10640381.

ClinVar aggregate classification (germline): Benign. Review status: criteria provided, multiple submitters, no conflicts (2 of 4 stars). 2 submissions from 2 submitters: Benign (2). Last evaluated 2018-01-13.

Conditions:
Exudative vitreoretinopathy 1 (EVR1). Also called: CRISWICK-SCHEPENS SYNDROME; FEVR, AUTOSOMAL DOMINANT; Familial exudative vitreoretinopathy, autosomal dominant. Identifiers: Orphanet 891, Orphanet 90050, MedGen C1851402, MONDO:0007589, OMIM 133780.

Allele frequency attached by ClinVar (database versions not stated): gnomAD 0.01587 and 0.01604; 1000 Genomes Project 30x 0.01640; 1000 Genomes Project 0.01737; TOPMed 0.01798.

Submissions (2):

Illumina Laboratory Services, Illumina
Classification: Benign for Exudative vitreoretinopathy 1. Last evaluated: 2018-01-13. Review status: criteria provided, single submitter. Criteria: ICSL Variant Classification Criteria 13 December 2019. Collection method: clinical testing. Allele origin: germline.
Comment: This variant was observed in the ICSL laboratory as part of a predisposition screen in an ostensibly healthy population. It had not been previously curated by ICSL or reported in the Human Gene Mutation Database (HGMD: prior to June 1st, 2018), and was therefore a candidate for classification through an automated scoring system. Utilizing variant allele frequency, disease prevalence and penetrance estimates, and inheritance mode, an automated score was calculated to assess if this variant is too frequent to cause the disease. Based on the score and internal cut-off values, a variant classified as benign is not then subjected to further curation. The score for this variant resulted in a classification of benign for this disease.

Breakthrough Genomics
Classification: Benign. Review status: criteria provided, single submitter. Criteria: ACMG Guidelines, 2015. Collection method: not provided. Allele origin: germline. Inheritance: Autosomal dominant inheritance. Affected: yes.